The following is an entry in ClinVar:

ClinVar aggregate classification (germline): Uncertain significance (1 of 4 stars; one submission).

Conditions:
Global developmental delay with speech and behavioral abnormalities. Identifiers: MedGen C5543226, MONDO:0030995, OMIM 619243.

Allele frequency attached by ClinVar (database versions not stated): gnomAD exomes below 0.00001.
gnomAD v4.1: 1 of 1,612,512 alleles (0.000062%); highest among the groups gnomAD compares: Non-Finnish European, 0.000085%; no homozygotes.

Submission:

Foundation for Research in Genetics and Endocrinology, FRIGE's Institute of Human Genetics
Classification: Uncertain significance for Global developmental delay with speech and behavioral abnormalities. Last evaluated: 2022-12-06. Review status: criteria provided, single submitter. Criteria: ACMG Guidelines, 2015. Collection method: clinical testing. Allele origin: germline. Inheritance: Autosomal dominant inheritance. Affected: yes. Observed: 1 heterozygote.
Comment: A heterozygous missense variation in exon 18 of the TNRC6B gene that results in the amino acid substitution of Glutamine for Arginine at codon 625 was detected. The observed variant c.1874G>A (p.Arg625Gln) has not been reported in the 1000 genomes and gnomAD databases. The in silico prediction of the variant is benign by SIFT and disease causing by MutationTaster2. In summary, the variant meets our criteria to be classified as a variant of uncertain significance.

NM_001162501.2(TNRC6B):c.4286G>A (p.Arg1429Gln)

Gene: TNRC6B (trinucleotide repeat containing adaptor 6B; plus strand). Cytogenetic location: 22q13.1.
Variant type: single nucleotide variant.
Coding change: c.4286G>A on transcript NM_001162501.2 (MANE Select); coding-DNA position 4286, G replaced by A.
Protein change: p.Arg1429Gln; replaces arginine 1429 with glutamine.
Molecular consequence: missense variant.
Genome position (GRCh38, 1-based): chr22:40,310,844, G>A. VCF-style: chr22-40310844-G-A. GRCh37 (hg19) VCF-style: chr22-40706848-G-A.
Other names: p.Arg625Gln; c.1874G>A, p.Arg625Gln (NM_001024843.2); c.3956G>A, p.Arg1319Gln (NM_015088.3); short protein forms R1429Q, R1319Q, R625Q.
Identifiers: ClinVar variation 2445988 (VCV002445988.2), dbSNP rs2071168224, ClinGen allele CA411666289.